The following is an entry in ClinVar:

NC_000015.10:g.84817204G>A

Gene: ALPK3 (alpha kinase 3; plus strand). Cytogenetic location: 15q25.3.
Variant type: single nucleotide variant.
Genome position: GRCh38 VCF-style: chr15-84817204-G-A. GRCh37 (hg19) VCF-style: chr15-85360435-G-A.
Identifiers: ClinVar variation 3001223 (VCV003001223.3), dbSNP rs1054850724, ClinGen allele CA273650912.

ClinVar aggregate classification (germline): Uncertain significance (1 of 4 stars; one submission).

Submission:

Labcorp Genetics (formerly Invitae), Labcorp
Classification: Uncertain significance. Last evaluated: 2023-12-08. Review status: criteria provided, single submitter. Criteria: Invitae Variant Classification Sherloc (09022015). Collection method: clinical testing. Allele origin: germline.
Comment: This sequence change replaces glycine, which is neutral and non-polar, with arginine, which is basic and polar, at codon 120 of the ALPK3 protein (p.Gly120Arg). This variant is not present in population databases (gnomAD no frequency). This variant has not been reported in the literature in individuals affected with ALPK3-related conditions. An algorithm developed to predict the effect of missense changes on protein structure and function (PolyPhen-2) suggests that this variant is likely to be disruptive. In summary, the available evidence is currently insufficient to determine the role of this variant in disease. Therefore, it has been classified as a Variant of Uncertain Significance.